The following is an entry in ClinVar:

NM_000051.4(ATM):c.884C>G (p.Ala295Gly)

Gene: ATM (ATM serine/threonine kinase; plus strand). Cytogenetic location: 11q22.3.
Variant type: single nucleotide variant.
Coding change: c.884C>G on transcript NM_000051.4 (MANE Select); coding-DNA position 884, C replaced by G.
Protein change: p.Ala295Gly; replaces alanine 295 with glycine.
Molecular consequence: missense variant.
Genome position (GRCh38, 1-based): chr11:108,245,009, C>G. VCF-style: chr11-108245009-C-G. GRCh37 (hg19) VCF-style: chr11-108115736-C-G.
Other names: c.884C>G, p.Ala295Gly (NM_001351834.2); short protein forms A295G.
Identifiers: ClinVar variation 4747165 (VCV004747165.1).
Genomic context (GRCh38, chr11:108,245,009, plus strand): 5'-TAAAAGAAGTCATTATTGAATTATTTCAACTGCAAATTTATATCCATCATCCGAAAGGAG[C>G]CAAAACCCAAGAAAAAGGTATAAAGGAAATGTTTACTGTTTTGAATTTGCTTCTTCATTC-3'
Protein context (NP_000042.3, residues 285-305): LQIYIHHPKG[Ala295Gly]KTQEKGAYES

ClinVar aggregate classification (germline): Uncertain significance (1 of 4 stars; one submission).

Conditions:
Ataxia-telangiectasia syndrome (AT). Also called: Ataxia-telangiectasia, complementation group D; AT, COMPLEMENTATION GROUP C; Ataxia-telangiectasia; Ataxia telangiectasia (A-T); LOUIS-BAR SYNDROME; Cerebello-oculocutaneous telangiectasia. Identifiers: Orphanet 100, MedGen C0004135, MONDO:0008840, OMIM 208900.

Submission:

Labcorp Genetics (formerly Invitae), Labcorp
Classification: Uncertain significance for Ataxia-telangiectasia syndrome. Last evaluated: 2025-02-16. Review status: criteria provided, single submitter. Criteria: Invitae Variant Classification Sherloc (09022015). Collection method: clinical testing. Allele origin: germline.
Comment: This sequence change replaces alanine, which is neutral and non-polar, with glycine, which is neutral and non-polar, at codon 295 of the ATM protein (p.Ala295Gly). This variant is not present in population databases (gnomAD no frequency). This variant has not been reported in the literature in individuals affected with ATM-related conditions. Invitae Evidence Modeling of protein sequence and biophysical properties (such as structural, functional, and spatial information, amino acid conservation, physicochemical variation, residue mobility, and thermodynamic stability) indicates that this missense variant is not expected to disrupt ATM protein function with a negative predictive value of 95%. In summary, the available evidence is currently insufficient to determine the role of this variant in disease. Therefore, it has been classified as a Variant of Uncertain Significance.